The following is an entry in ClinVar:

ClinVar aggregate classification (germline): Pathogenic. Review status: criteria provided, multiple submitters, no conflicts (2 of 4 stars). 2 submissions from 2 submitters: Pathogenic (2). Last evaluated 2026-03-09.

Conditions:
Polycystic kidney disease, adult type (PKD1). Also called: Polycystic Kidney Disease 1, Autosomal Dominant; Polycystic kidney disease 1; Polycystic kidney disease 1, severe; Polycystic Kidney, Autosomal Dominant; POLYCYSTIC KIDNEY DISEASE 1 WITH OR WITHOUT POLYCYSTIC LIVER DISEASE; POLYCYSTIC KIDNEY DISEASE, ADULT, TYPE I. Identifiers: MedGen C3149841, MONDO:0008263, OMIM 173900.

Submissions (2):

Victorian Clinical Genetics Services, Murdoch Childrens Research Institute
Classification: Pathogenic for Polycystic kidney disease, adult type. Last evaluated: 2026-03-09. Review status: criteria provided, single submitter. Criteria: ACMG Guidelines, 2015. Collection method: clinical testing. Allele origin: germline. Affected: yes.
Comment: This variant is classified as Pathogenic. Evidence in support of pathogenic classification: Variant is predicted to cause nonsense-mediated decay (NMD) and loss of protein (premature termination codon is located at least 54 nucleotides upstream of the final exon-exon junction); Variant is absent from gnomAD (v2, v3 and v4); Other NMD-predicted variant(s) comparable to the one identified in this case have very strong previous evidence for pathogenicity (ClinVar). Additional information: This variant is heterozygous; This gene is associated with autosomal dominant disease. Polycystic kidney disease 1 (MIM#173900) is predominantly caused by monoallelic variants, with rare reports of biallelic variants causing disease (OMIM); Loss of function is a known mechanism of disease in this gene and is associated with polycystic kidney disease 1 (MIM#173900); Inheritance information for this variant is not currently available in this individual.

(GEEPAD) Grupo de Estudio de la Enfermedad Poliquística Autosómica Dominante, Hospitales Universitarios Virgen de las Nieves y San Cecilio (Granada)
Classification: Pathogenic for Polycystic kidney disease, adult type. Last evaluated: 2022-08-03. Review status: criteria provided, single submitter. Criteria: ACMG Guidelines, 2015. Collection method: clinical testing. Allele origin: germline. Affected: yes. Observed: 1 variant allele.

NM_001009944.3(PKD1):c.4214G>A (p.Trp1405Ter)

Gene: PKD1 (polycystin 1, transient receptor potential channel interacting; minus strand). Cytogenetic location: 16p13.3.
Variant type: single nucleotide variant.
Coding change: c.4214G>A on transcript NM_001009944.3 (MANE Select); coding-DNA position 4214, G replaced by A.
Protein change: p.Trp1405Ter; replaces tryptophan 1405 with a stop codon.
Molecular consequence: nonsense.
Genome position (GRCh38, 1-based): chr16:2,110,953, C>T on the plus strand (G>A on the coding strand, the complement: PKD1 is on the minus strand). VCF-style: chr16-2110953-C-T. GRCh37 (hg19) VCF-style: chr16-2160954-C-T.
Other names: c.4214G>A, p.Trp1405Ter (NM_000296.4); short protein forms W1405*.
Identifiers: ClinVar variation 1699913 (VCV001699913.3), dbSNP rs2151798372, ClinGen allele CA394381156.